The following is an entry in ClinVar:

NM_003620.4(PPM1D):c.1672AGT[1] (p.Ser559del)

Gene: PPM1D (protein phosphatase, Mg2+/Mn2+ dependent 1D; plus strand). Cytogenetic location: 17q23.2.
Variant type: Microsatellite.
Coding change: c.1672AGT[1] on transcript NM_003620.4 (MANE Select); one copy of the 3-base unit AGT starting at c.1672; the reference has two copies in a row; one copy, 3 bases deleted.
Protein change: p.Ser559del; deletes serine 559.
Genome position (GRCh38, 1-based): chr17:60,663,409-60,663,411, AGT deleted; deleting any 3 consecutive bases within chr17:60,663,406-60,663,411 gives the same sequence; the position shown is the placement nearest the transcript's 3' end. VCF-style (leftmost placement, unchanged base first): chr17-60663405-AAGT-A. GRCh37 (hg19) VCF-style: chr17-58740766-AAGT-A.
Other names: short protein forms S559del.
Identifiers: ClinVar variation 3646827 (VCV003646827.2).
Genomic context (GRCh38, chr17:60,663,405, plus strand): 5'-ATTAGAAGAGTCCAATTCTGGCCCCCTGATGAAGAAGCATAGACGAAATGGCTTAAGTCG[AAGT>A]AGTGGTGCTCAGCCTGCAAGTCTCCCCACAACCTCACAGCGAAAGAACTCTGTTAAACTC-3'

ClinVar aggregate classification (germline): Uncertain significance (1 of 4 stars; one submission).

Submission:

Labcorp Genetics (formerly Invitae), Labcorp
Classification: Uncertain significance. Last evaluated: 2024-03-19. Review status: criteria provided, single submitter. Criteria: Invitae Variant Classification Sherloc (09022015). Collection method: clinical testing. Allele origin: germline.
Comment: This variant, c.1675_1677del, results in the deletion of 1 amino acid(s) of the PPM1D protein (p.Ser559del), but otherwise preserves the integrity of the reading frame. This variant is not present in population databases (gnomAD no frequency). This variant has not been reported in the literature in individuals affected with PPM1D-related conditions. Experimental studies and prediction algorithms are not available or were not evaluated, and the functional significance of this variant is currently unknown. In summary, the available evidence is currently insufficient to determine the role of this variant in disease. Therefore, it has been classified as a Variant of Uncertain Significance.